The following is an entry in ClinVar:

NM_001281747.2(MLIP):c.2822C>A (p.Ala941Asp)

Gene: MLIP (muscular LMNA interacting protein; plus strand). Cytogenetic location: 6p12.1.
Variant type: single nucleotide variant.
Coding change: c.2822C>A on transcript NM_001281747.2 (MANE Select); coding-DNA position 2822, C replaced by A.
Protein change: p.Ala941Asp; replaces alanine 941 with aspartic acid.
Molecular consequence: missense variant.
Genome position (GRCh38, 1-based): chr6:54,230,817, C>A. VCF-style: chr6-54230817-C-A. GRCh37 (hg19) VCF-style: chr6-54095615-C-A.
Other names: c.1217C>A, p.Ala406Asp (NM_138569.3); c.2822C>A (NM_001281747.1); short protein forms A406D, A941D.
Identifiers: ClinVar variation 4625044 (VCV004625044.2).

ClinVar aggregate classification (germline): Conflicting classifications of pathogenicity. Review status: criteria provided, conflicting classifications (1 of 4 stars). 2 submissions from 2 submitters: Uncertain significance (1); Likely benign (1). Last evaluated 2025-10-22.

Conditions:
MLIP-related disorder. Also called: MLIP-related condition.
Inborn genetic diseases. Identifiers: MedGen C0950123, MeSH D030342.

gnomAD v4.1: 93 of 1,613,930 alleles (0.0058%); highest among the groups gnomAD compares: Admixed American, 0.15%; no homozygotes.

Submissions (2):

Ambry Genetics
Classification: Uncertain significance for Inborn genetic diseases. Last evaluated: 2025-10-22. Review status: criteria provided, single submitter. Criteria: Ambry Variant Classification Scheme 2023. Collection method: clinical testing. Allele origin: germline.

PreventionGenetics, part of Exact Sciences
Classification: Likely benign for MLIP-related condition. Last evaluated: 2025-03-31. Review status: criteria provided, single submitter. Criteria: ACMG Guidelines, 2015. Collection method: clinical testing. Allele origin: germline.
Comment: This variant is classified as likely benign based on ACMG/AMP sequence variant interpretation guidelines (Richards et al. 2015 PMID: 25741868, with internal and published modifications).